The following is an entry in ClinVar:

NM_133261.3(GIPC3):c.411+10A>G

Gene: GIPC3 (GIPC PDZ domain containing family member 3; plus strand). Cytogenetic location: 19p13.3.
Variant type: single nucleotide variant.
Coding change: c.411+10A>G on transcript NM_133261.3 (MANE Select); 10 bases into the intron after coding-DNA position 411, A replaced by G.
Molecular consequence: intron variant.
Genome position (GRCh38, 1-based): chr19:3,586,690, A>G. VCF-style: chr19-3586690-A-G. GRCh37 (hg19) VCF-style: chr19-3586688-A-G.
Identifiers: ClinVar variation 508566 (VCV000508566.1), dbSNP rs779727957, ClinGen allele CA9080388.

ClinVar aggregate classification (germline): Likely benign (1 of 4 stars; one submission).

Allele frequency attached by ClinVar (database versions not stated): ExAC below 0.00001.

Submission:

GeneDx
Classification: Likely benign. Last evaluated: 2018-01-30. Review status: criteria provided, single submitter. Criteria: GeneDx Variant Classification (06012015). Collection method: clinical testing. Allele origin: germline. Affected: yes.
Comment: This variant is considered likely benign or benign based on one or more of the following criteria: it is a conservative change, it occurs at a poorly conserved position in the protein, it is predicted to be benign by multiple in silico algorithms, and/or has population frequency not consistent with disease.